The following is an entry in ClinVar:

NM_000053.4(ATP7B):c.1149A>G (p.Gln383=)

Gene: ATP7B (ATPase copper transporting beta; minus strand). Cytogenetic location: 13q14.3.
Variant type: single nucleotide variant.
Coding change: c.1149A>G on transcript NM_000053.4 (MANE Select); coding-DNA position 1149, A replaced by G.
Protein change: p.Gln383=; no amino-acid change (glutamine 383 retained).
Molecular consequence: synonymous variant.
Genome position (GRCh38, 1-based): chr13:51,974,071, T>C on the plus strand (A>G on the coding strand, the complement: ATP7B is on the minus strand). VCF-style: chr13-51974071-T-C. GRCh37 (hg19) VCF-style: chr13-52548207-T-C.
Other names: c.1149A>G, p.Gln383= (NM_001005918.3, NM_001330578.2, NM_001330579.2 and 29 more transcripts); c.816A>G, p.Gln272= (NM_001243182.2); c.1053A>G, p.Gln351= (NM_001406517.1, NM_001406518.1, NM_001406530.1 and 3 more transcripts); c.720A>G, p.Gln240= (NM_001406539.1).
Identifiers: ClinVar variation 2043681 (VCV002043681.8), dbSNP rs368048282, ClinGen allele CA6989433.
Genomic context (GRCh38, chr13:51,974,071, plus strand): 5'-ATAAAGAACTGTTGCAGTCCCTTCGGCCAAAGACACCGATATTTGCTGCACCCCTTCCAG[T>C]TGGGAGATCATGCCTTCAATGGAATGGACACAGGATGCACAGGTCATGCCGGCAATGGCA-3'
Protein context (NP_000044.2, residues 373-393): CVHSIEGMIS[Gln383=]LEGVQQISVS

ClinVar aggregate classification (germline): Likely benign. Review status: criteria provided, multiple submitters, no conflicts (2 of 4 stars). 5 submissions from 5 submitters: Likely benign (5). Last evaluated 2026-07-01.

Conditions:
Wilson disease (WND). Also called: Wilson's disease. Identifiers: Orphanet 905, MedGen C0019202, MONDO:0010200, OMIM 277900. Disease mechanism: loss of function.

Allele frequency attached by ClinVar (database versions not stated): ExAC 0.00002; TOPMed 0.00003; gnomAD 0.00005; ESP Exome Variant Server 0.00008.
gnomAD v4.1: 21 of 1,613,968 alleles (0.0013%); highest among the groups gnomAD compares: African/African-American, 0.017%; no homozygotes.

Submissions (5):

CeGaT Center for Human Genetics Tuebingen
Classification: Likely benign. Last evaluated: 2026-07-01. Review status: criteria provided, single submitter. Criteria: CeGaT Center For Human Genetics Tuebingen Variant Classification Criteria Version 2. Collection method: clinical testing. Allele origin: germline. Affected: yes. Observed: 1 variant allele.
Comment: ATP7B: BP4, BP7

Labcorp Genetics (formerly Invitae), Labcorp
Classification: Likely benign for Wilson disease. Last evaluated: 2025-11-25. Review status: criteria provided, single submitter. Criteria: Invitae Variant Classification Sherloc (09022015). Collection method: clinical testing. Allele origin: germline.

All of Us Research Program, National Institutes of Health
Classification: Likely benign for Wilson disease. Last evaluated: 2024-02-05. Review status: criteria provided, single submitter. Criteria: ACMG Guidelines, 2015. Collection method: clinical testing. Allele origin: germline. Inheritance: Autosomal recessive inheritance. Observed: 5 variant alleles, 5 heterozygotes.
Comment: This study involves interpretation of variants in research participants for the purpose of population health screening. Participant phenotype was not available at the time of variant classification. Additional details can be found in publication PMID: 35346344, PMCID: PMC8962531

Color Diagnostics, LLC DBA Color Health
Classification: Likely benign for Wilson disease. Last evaluated: 2023-08-01. Review status: criteria provided, single submitter. Criteria: ACMG Guidelines, 2015. Collection method: clinical testing. Allele origin: germline.

Blueprint Genetics
Classification: Likely benign. Last evaluated: 2022-11-14. Review status: criteria provided, single submitter. Criteria: ACMG Guidelines, 2015. Collection method: clinical testing. Allele origin: germline.